The following is an entry in ClinVar:

ClinVar aggregate classification (germline): Likely benign (1 of 4 stars; one submission).

Submission:

CeGaT Center for Human Genetics Tuebingen
Classification: Likely benign. Last evaluated: 2026-07-01. Review status: criteria provided, single submitter. Criteria: CeGaT Center For Human Genetics Tuebingen Variant Classification Criteria Version 2. Collection method: clinical testing. Allele origin: germline. Affected: yes. Observed: 1 variant allele.
Comment: CALR: BP4, BP7

NM_004343.4(CALR):c.327T>C (p.Tyr109=)

Gene: CALR (calreticulin; plus strand). Cytogenetic location: 19p13.13.
Variant type: single nucleotide variant.
Coding change: c.327T>C on transcript NM_004343.4 (MANE Select); coding-DNA position 327, T replaced by C.
Protein change: p.Tyr109=; no amino-acid change (tyrosine 109 retained).
Molecular consequence: synonymous variant.
Genome position (GRCh38, 1-based): chr19:12,939,561, T>C. VCF-style: chr19-12939561-T-C. GRCh37 (hg19) VCF-style: chr19-13050375-T-C.
Identifiers: ClinVar variation 5038653 (VCV005038653.1).